The following is an entry in ClinVar:

NM_000393.5(COL5A2):c.3913G>A (p.Ala1305Thr)

Gene: COL5A2 (collagen type V alpha 2 chain; minus strand). Cytogenetic location: 2q32.2.
Variant type: single nucleotide variant.
Coding change: c.3913G>A on transcript NM_000393.5 (MANE Select); coding-DNA position 3913, G replaced by A.
Protein change: p.Ala1305Thr; replaces alanine 1305 with threonine.
Molecular consequence: missense variant.
Genome position (GRCh38, 1-based): chr2:189,039,284, C>T on the plus strand (G>A on the coding strand, the complement: COL5A2 is on the minus strand). VCF-style: chr2-189039284-C-T. GRCh37 (hg19) VCF-style: chr2-189904010-C-T.
Other names: short protein forms A1305T.
Identifiers: ClinVar variation 237776 (VCV000237776.21), dbSNP rs372897632, ClinGen allele CA2021895.

ClinVar aggregate classification (germline): Conflicting classifications of pathogenicity. Review status: criteria provided, conflicting classifications (1 of 4 stars). 5 submissions from 5 submitters: Uncertain significance (3); Likely benign (2). Last evaluated 2026-01-20.

Conditions:
Familial thoracic aortic aneurysm and aortic dissection (TAAD). Also called: Thoracic aortic aneurysms and dissections. Identifiers: Orphanet 91387, MedGen C4707243, MONDO:0019625.
Ehlers-Danlos syndrome, classic type, 1 (EDSCL1). Also called: Ehlers-Danlos syndrome, type 1; Ehlers-Danlos Syndrome, Classic Type, COL5A1-Related; EDS I; EHLERS-DANLOS SYNDROME, GRAVIS TYPE; EHLERS-DANLOS SYNDROME, SEVERE CLASSIC TYPE. Identifiers: MedGen C0268335, MONDO:0019567, OMIM 130000.

Allele frequency attached by ClinVar (database versions not stated): gnomAD 0.00001; TOPMed 0.00003; ExAC 0.00004; ESP Exome Variant Server 0.00008.
gnomAD v4.1: 21 of 1,613,784 alleles (0.0013%); highest among the groups gnomAD compares: Middle Eastern, 0.016%; no homozygotes.

Submissions (5):

Labcorp Genetics (formerly Invitae), Labcorp
Classification: Likely benign for Ehlers-Danlos syndrome, classic type, 1. Last evaluated: 2026-01-20. Review status: criteria provided, single submitter. Criteria: Invitae Variant Classification Sherloc (09022015). Collection method: clinical testing. Allele origin: germline.

GeneDx
Classification: Uncertain significance. Last evaluated: 2025-04-29. Review status: criteria provided, single submitter. Criteria: GeneDx Variant Classification Process June 2021. Collection method: clinical testing. Allele origin: germline.
Comment: Reported in a patient with bleeding issue, hypermobility, and at least one first degree family member with bleeding diathesis (PMID: 33161638); In silico analysis indicates that this missense variant does not alter protein structure/function; This variant is associated with the following publications: (PMID: 33161638, 22696272)

Ambry Genetics
Classification: Uncertain significance for Familial thoracic aortic aneurysm and aortic dissection. Last evaluated: 2025-03-31. Review status: criteria provided, single submitter. Criteria: Ambry Variant Classification Scheme 2023. Collection method: clinical testing. Allele origin: germline.
Comment: The p.A1305T variant (also known as c.3913G>A), located in coding exon 51 of the COL5A2 gene, results from a G to A substitution at nucleotide position 3913. The alanine at codon 1305 is replaced by threonine, an amino acid with similar properties. This variant was reported in individual(s) with features consistent with COL5A2-related classic Ehlers-Danlos syndrome (Fager Ferrari M et al. Haemophilia. 2021 Jan;27(1):e69-e77; Ambry internal data). This amino acid position is poorly conserved in available vertebrate species. In addition, this alteration is predicted to be tolerated by in silico analysis. Based on the available evidence, the clinical significance of this variant remains unclear.

Blueprint Genetics
Classification: Likely benign. Last evaluated: 2023-03-06. Review status: criteria provided, single submitter. Criteria: ACMG Guidelines, 2015. Collection method: clinical testing. Allele origin: germline.

Breakthrough Genomics
Classification: Uncertain significance. Review status: criteria provided, single submitter. Criteria: ACMG Guidelines, 2015. Collection method: not provided. Allele origin: germline. Inheritance: Autosomal dominant inheritance. Affected: yes.

Literature cited by the submitters: PubMed 33161638 (cited by Ambry Genetics).